The following is an entry in ClinVar:

NM_198576.4(AGRN):c.5825G>A (p.Arg1942His)

Gene: AGRN (agrin; plus strand). Cytogenetic location: 1p36.33.
Variant type: single nucleotide variant.
Coding change: c.5825G>A on transcript NM_198576.4 (MANE Select); coding-DNA position 5825, G replaced by A.
Protein change: p.Arg1942His; replaces arginine 1942 with histidine.
Molecular consequence: missense variant.
Genome position (GRCh38, 1-based): chr1:1,053,926, G>A. VCF-style: chr1-1053926-G-A. GRCh37 (hg19) VCF-style: chr1-989306-G-A.
Other names: c.5894G>A, p.Arg1965His (NM_001305275.2); c.5522G>A, p.Arg1841His (NM_001364727.2); short protein forms R1841H, R1942H, R1965H.
Identifiers: ClinVar variation 1054780 (VCV001054780.8), dbSNP rs758968975, ClinGen allele CA510241.

ClinVar aggregate classification (germline): Uncertain significance (1 of 4 stars; one submission).

Conditions:
Congenital myasthenic syndrome 8. Also called: Myasthenic syndrome, congenital, 8, with pre- and postsynaptic defects; MYASTHENIC SYNDROME, CONGENITAL, DUE TO AGRIN DEFICIENCY. Identifiers: Orphanet 590, MedGen C3808739, MONDO:0014052, OMIM 615120.

Allele frequency attached by ClinVar (database versions not stated): gnomAD 0.00001; TOPMed 0.00001; ExAC 0.00003; gnomAD exomes 0.00003.
gnomAD v4.1: 24 of 1,605,528 alleles (0.0015%); highest among the groups gnomAD compares: Middle Eastern, 0.018%; no homozygotes.

Submission:

Labcorp Genetics (formerly Invitae), Labcorp
Classification: Uncertain significance for Congenital myasthenic syndrome 8. Last evaluated: 2024-11-16. Review status: criteria provided, single submitter. Criteria: Invitae Variant Classification Sherloc (09022015). Collection method: clinical testing. Allele origin: germline.
Comment: This sequence change replaces arginine, which is basic and polar, with histidine, which is basic and polar, at codon 1942 of the AGRN protein (p.Arg1942His). This variant is present in population databases (rs758968975, gnomAD 0.01%). This variant has not been reported in the literature in individuals affected with AGRN-related conditions. ClinVar contains an entry for this variant (Variation ID: 1054780). An algorithm developed to predict the effect of missense changes on protein structure and function outputs the following: PolyPhen-2: "Benign". The histidine amino acid residue is found in multiple mammalian species, which suggests that this missense change does not adversely affect protein function. In summary, the available evidence is currently insufficient to determine the role of this variant in disease. Therefore, it has been classified as a Variant of Uncertain Significance.